The following is an entry in ClinVar:

NM_005751.5(AKAP9):c.2102A>T (p.Lys701Met)

Gene: AKAP9 (A-kinase anchoring protein 9; plus strand). Cytogenetic location: 7q21.2.
Variant type: single nucleotide variant.
Coding change: c.2102A>T on transcript NM_005751.5 (MANE Select); coding-DNA position 2102, A replaced by T.
Protein change: p.Lys701Met; replaces lysine 701 with methionine.
Molecular consequence: missense variant.
Genome position (GRCh38, 1-based): chr7:92,002,019, A>T. VCF-style: chr7-92002019-A-T. GRCh37 (hg19) VCF-style: chr7-91631333-A-T.
Other names: c.2102A>T, p.Lys701Met (NM_147185.3); short protein forms K701M.
Identifiers: ClinVar variation 5020780 (VCV005020780.1).

ClinVar aggregate classification (germline): Uncertain significance (1 of 4 stars; one submission).

gnomAD v4.1: 2 of 1,610,914 alleles (0.00012%); highest among the groups gnomAD compares: Non-Finnish European, 0.00017%; no homozygotes.

Submission:

Dasa
Classification: Uncertain significance. Last evaluated: 2025-12-02. Review status: criteria provided, single submitter. Criteria: DASA Assertion Criteria. Collection method: clinical testing. Allele origin: germline.
Comment: NM_005751.5(AKAP9):c.2102A>T (p.Lys701Met) is a missense variant that results in the substitution of lysine with methionine. This variant is rare in population databases. Computational prediction algorithms are consistent with a benign effect. The currently available literature and clinical evidence are not sufficient to establish a definitive association between this variant and the reported condition. Therefore, this variant is classified as a variant of uncertain significance.